The following is an entry in ClinVar:

ClinVar aggregate classification (germline): Likely benign. Review status: criteria provided, multiple submitters, no conflicts (2 of 4 stars). 3 submissions from 3 submitters: Likely benign (3). Last evaluated 2024-08-30.

Conditions:
Deficiency of malonyl-CoA decarboxylase. Also called: Malonic aciduria; MCD deficiency. Identifiers: Orphanet 943, MedGen C0342793, MONDO:0009556, OMIM 248360.

Allele frequency attached by ClinVar (database versions not stated): ExAC 0.00011.
gnomAD v4.1: 19 of 1,527,422 alleles (0.0012%); highest among the groups gnomAD compares: Middle Eastern, 0.036%; no homozygotes.

Submissions (3):

Women's Health and Genetics/Laboratory Corporation of America, LabCorp
Classification: Likely benign. Last evaluated: 2024-08-30. Review status: criteria provided, single submitter. Criteria: LabCorp Variant Classification Summary - May 2015. Collection method: clinical testing. Allele origin: germline.
Comment: Variant summary: MLYCD c.237C>G alters a non-conserved nucleotide resulting in a synonymous change. Consensus agreement among computation tools predict no significant impact on normal splicing. However, these predictions have yet to be confirmed by functional studies. The variant allele was found at a frequency of 1.6e-05 in 128560 control chromosomes. The available data on variant occurrences in the general population are insufficient to allow any conclusion about variant significance. To our knowledge, no occurrence of c.237C>G in individuals affected with Deficiency Of Malonyl-CoA Decarboxylase and no experimental evidence demonstrating its impact on protein function have been reported. ClinVar contains an entry for this variant (Variation ID: 2716673). Based on the evidence outlined above, the variant was classified as likely benign.

Blueprint Genetics
Classification: Likely benign. Last evaluated: 2024-07-23. Review status: criteria provided, single submitter. Criteria: ACMG Guidelines, 2015. Collection method: clinical testing. Allele origin: germline.

Labcorp Genetics (formerly Invitae), Labcorp
Classification: Likely benign for Deficiency of malonyl-CoA decarboxylase. Last evaluated: 2023-11-27. Review status: criteria provided, single submitter. Criteria: Invitae Variant Classification Sherloc (09022015). Collection method: clinical testing. Allele origin: germline.

NM_012213.3(MLYCD):c.237C>G (p.Ala79=)

Gene: MLYCD (malonyl-CoA decarboxylase; plus strand). Cytogenetic location: 16q23.3.
Variant type: single nucleotide variant.
Coding change: c.237C>G on transcript NM_012213.3 (MANE Select); coding-DNA position 237, C replaced by G.
Protein change: p.Ala79=; no amino-acid change (alanine 79 retained).
Molecular consequence: synonymous variant.
Genome position (GRCh38, 1-based): chr16:83,899,381, C>G. VCF-style: chr16-83899381-C-G. GRCh37 (hg19) VCF-style: chr16-83932986-C-G.
Identifiers: ClinVar variation 2716673 (VCV002716673.5), dbSNP rs748458868, ClinGen allele CA8197186.